The following is an entry in ClinVar:

NM_024675.4(PALB2):c.3114-239A>T

Gene: PALB2 (partner and localizer of BRCA2; minus strand). Cytogenetic location: 16p12.2.
Variant type: single nucleotide variant.
Coding change: c.3114-239A>T on transcript NM_024675.4 (MANE Select); 239 bases into the intron before coding-DNA position 3114, A replaced by T.
Molecular consequence: intron variant.
Genome position (GRCh38, 1-based): chr16:23,614,330, T>A on the plus strand (A>T on the coding strand, the complement: PALB2 is on the minus strand). VCF-style: chr16-23614330-T-A. GRCh37 (hg19) VCF-style: chr16-23625651-T-A.
Other names: c.3114-239A>T (NM_024675.3).
Identifiers: ClinVar variation 2156281 (VCV002156281.6), dbSNP rs2506269944, ClinGen allele CA2580091263.

ClinVar aggregate classification (germline): Conflicting classifications of pathogenicity. Review status: criteria provided, conflicting classifications (1 of 4 stars). 3 submissions from 3 submitters: Pathogenic (1); Likely pathogenic (1); Uncertain significance (1). Last evaluated 2026-09-18.

Conditions:
Familial cancer of breast. Also called: Hereditary breast cancer; hereditary breast carcinoma; BREAST CANCER, FAMILIAL. Identifiers: Orphanet 227535, MedGen C0346153, MONDO:0016419, OMIM 114480. Disease mechanism: loss of function.
Hereditary cancer-predisposing syndrome. Also called: Neoplastic Syndromes, Hereditary; Tumor predisposition; Hereditary Cancer Syndrome; Hereditary neoplastic syndrome. Identifiers: Orphanet 140162, MedGen C0027672, MeSH D009386, MONDO:0015356.

Submissions (3):

Myriad Genetics, Inc.
Classification: Likely pathogenic for Familial cancer of breast. Last evaluated: 2026-09-18. Review status: criteria provided, single submitter. Criteria: Myriad Autosomal Dominant, Autosomal Recessive and X-Linked Classification Criteria (2023). Collection method: clinical testing. Allele origin: unknown.
Comment: This variant is considered likely pathogenic. mRNA analysis has demonstrated abnormal mRNA splicing occurs [PMID: 39271294, 41935071, Myriad internal data].

Labcorp Genetics (formerly Invitae), Labcorp
Classification: Pathogenic for Familial cancer of breast. Last evaluated: 2025-09-25. Review status: criteria provided, single submitter. Criteria: Invitae Variant Classification Sherloc (09022015). Collection method: clinical testing. Allele origin: germline.
Comment: This sequence change falls in intron 10 of the PALB2 gene. It does not directly change the encoded amino acid sequence of the PALB2 protein. RNA analysis indicates that this variant induces altered splicing and may result in an absent or altered protein product. This variant is not present in population databases (gnomAD no frequency). This variant has not been reported in the literature in individuals affected with PALB2-related conditions. ClinVar contains an entry for this variant (Variation ID: 2156281). Studies have shown that this variant results in activation of a cryptic splice site, and produces a non-functional protein and/or introduces a premature termination codon (internal data). For these reasons, this variant has been classified as Pathogenic.

Ambry Genetics
Classification: Uncertain significance for Hereditary cancer-predisposing syndrome. Last evaluated: 2022-03-17. Review status: criteria provided, single submitter. Criteria: Ambry Variant Classification Scheme 2023. Collection method: clinical testing. Allele origin: germline.
Comment: The c.3114-239A>T intronic alteration consists of a A to T substitution 239 nucleotides before coding exon 11 in the PALB2 gene. Based on insufficient or conflicting evidence, the clinical significance of this alteration remains unclear.

Literature cited by the submitters: PubMed 39271294 (cited by Myriad Genetics, Inc.); PubMed 41935071 (cited by Myriad Genetics, Inc.).